The following is an entry in ClinVar:

ClinVar aggregate classification (germline): Pathogenic (1 of 4 stars; one submission).

Conditions:
Glycogen storage disease XV (GSD15). Also called: GLYCOGENIN DEFICIENCY; GSD XV. Identifiers: Orphanet 263297, MedGen C3150754, MONDO:0013291, OMIM 613507.
Polyglucosan body myopathy type 2. Identifiers: Orphanet 456369, MedGen C4015452, MONDO:0014526, OMIM 616199.

Submission:

Labcorp Genetics (formerly Invitae), Labcorp
Classification: Pathogenic for Polyglucosan body myopathy type 2; Glycogen storage disease XV. Last evaluated: 2025-10-10. Review status: criteria provided, single submitter. Criteria: Invitae Variant Classification Sherloc (09022015). Collection method: clinical testing. Allele origin: germline.
Comment: This sequence change creates a premature translational stop signal (p.Asn12Thrfs*15) in the GYG1 gene. It is expected to result in an absent or disrupted protein product. Loss-of-function variants in GYG1 are known to be pathogenic (PMID: 20357282, 25272951). This variant is present in population databases (rs769828765, gnomAD 0.02%). This variant has not been reported in the literature in individuals affected with GYG1-related conditions. For these reasons, this variant has been classified as Pathogenic.

Literature cited by the submitters: PubMed 20357282; PubMed 25272951.

NM_004130.4(GYG1):c.35del (p.Asn12fs)

Gene: GYG1 (glycogenin 1; plus strand). Cytogenetic location: 3q24.
Variant type: Deletion.
Coding change: c.35del on transcript NM_004130.4 (MANE Select); coding-DNA position 35, one base deleted (A; older notation c.35delA).
Protein change: p.Asn12fs; shifts the reading frame from asparagine 12.
Molecular consequence: frameshift variant.
Genome position (GRCh38, 1-based): chr3:148,994,169, A deleted; the last of 3 consecutive A bases (chr3:148,994,167-148,994,169); deleting any one gives the same sequence. VCF-style (leftmost placement, unchanged base first): chr3-148994166-CA-C. GRCh37 (hg19) VCF-style: chr3-148711953-CA-C.
Other names: c.35del, p.Asn12fs (NM_001184720.2, NM_001184721.2); short protein forms N12fs.
Identifiers: ClinVar variation 4788300 (VCV004788300.1).